The following is an entry in ClinVar:

ClinVar aggregate classification (germline): Uncertain significance (1 of 4 stars; one submission).

Conditions:
Mitochondrial disease. Also called: Mitochondrial disorders; Mitochondrial disorder. Identifiers: Orphanet 68380, MedGen C0751651, MeSH D028361, MONDO:0044970.

Submission:

Genomenon, Inc
Classification: Uncertain significance for Mitochondrial disease. Last evaluated: 2025-11-24. Review status: criteria provided, single submitter. Criteria: Genomenon Sequence Variant Interpretation Standards - Updated. Collection method: curation. Allele origin: germline. Affected: yes.
Comment: TK2 p.Thr116Ile (c.347C>T) is a missense variant that changes the amino acid at residue 116 from Threonine to Isoleucine. This variant has been observed in a proband affected with mitochondrial disease in the homozygous state (29602790). This variant is not present at a significant frequency in gnomAD, and in silico models agree that this variant is possibly or probably damaging. In conclusion, we classify TK2 p.Thr116Ile (c.347C>T) as a variant of uncertain significance.

Literature cited by the submitters: PubMed 29602790.

NM_004614.5(TK2):c.347C>T (p.Thr116Ile)

Gene: TK2 (thymidine kinase 2; minus strand). Cytogenetic location: 16q21.
Variant type: single nucleotide variant.
Coding change: c.347C>T on transcript NM_004614.5 (MANE Select); coding-DNA position 347, C replaced by T.
Protein change: p.Thr116Ile; replaces threonine 116 with isoleucine.
Molecular consequence: missense variant. On other transcripts: non-coding transcript variant (1).
Genome position (GRCh38, 1-based): chr16:66,531,408, G>A on the plus strand (C>T on the coding strand, the complement: TK2 is on the minus strand). VCF-style: chr16-66531408-G-A. GRCh37 (hg19) VCF-style: chr16-66565311-G-A.
Other names: c.254C>T, p.Thr85Ile (NM_001172643.1, NM_001271935.1); c.272C>T, p.Thr91Ile (NM_001172644.2); c.293C>T, p.Thr98Ile (NM_001172645.2); c.200C>T, p.Thr67Ile (NM_001271934.2); c.56C>T, p.Thr19Ile (NM_001272050.2); short protein forms T116I, T19I, T67I, T85I, T91I, T98I.
Identifiers: ClinVar variation 3778863 (VCV003778863.2).